The following is an entry in ClinVar:

NM_002602.4(PDE6G):c.*484T>G

Gene: PDE6G (phosphodiesterase 6G; minus strand). Cytogenetic location: 17q25.3.
Variant type: single nucleotide variant.
Coding change: c.*484T>G on transcript NM_002602.4 (MANE Select); 484 bases downstream of the stop codon, T replaced by G.
Molecular consequence: 3 prime UTR variant. On other transcripts: non-coding transcript variant (2).
Genome position (GRCh38, 1-based): chr17:81,650,590, A>C on the plus strand (T>G on the coding strand, the complement: PDE6G is on the minus strand). VCF-style: chr17-81650590-A-C. GRCh37 (hg19) VCF-style: chr17-79617620-A-C.
Other names: c.*484T>G (NM_001365724.1, NM_001365725.1).
Identifiers: ClinVar variation 325852 (VCV000325852.6), dbSNP rs1126835, ClinGen allele CA8838926.
Genomic context (GRCh38, chr17:81,650,590, plus strand): 5'-TGGTGTGATGAGCTTGGGGCCTCATCTGCTCACCGTGCACGCCCTGGAGTCCTGCTACCC[A>C]GCATGTCCAAACTAAGGGCACCCCCCTGGGAAGGGATGCAGAGACGGGGAGCTTCTCTGT-3'

ClinVar aggregate classification (germline): Benign. Review status: criteria provided, multiple submitters, no conflicts (2 of 4 stars). 2 submissions from 2 submitters: Benign (2). Last evaluated 2018-01-12.

Conditions:
Retinitis pigmentosa (RP). Identifiers: Orphanet 791, MedGen C0035334, MeSH D012174, MONDO:0019200, OMIM 268000. Inheritance: Autosomal dominant, autosomal recessive and X linked inheritance.

Allele frequency attached by ClinVar (database versions not stated): gnomAD 0.03931 and 0.04224; TOPMed 0.04512; ExAC 0.04651; gnomAD exomes 0.04924; 1000 Genomes Project 30x 0.08182; 1000 Genomes Project 0.08427.
gnomAD v4.1: 19,531 of 454,244 alleles (4.3%); highest among the groups gnomAD compares: East Asian, 22%; 773 homozygotes.

Submissions (2):

Illumina Laboratory Services, Illumina
Classification: Benign for Retinitis pigmentosa. Last evaluated: 2018-01-12. Review status: criteria provided, single submitter. Criteria: ICSL Variant Classification Criteria 13 December 2019. Collection method: clinical testing. Allele origin: germline.
Comment: This variant was observed in the ICSL laboratory as part of a predisposition screen in an ostensibly healthy population. It had not been previously curated by ICSL or reported in the Human Gene Mutation Database (HGMD: prior to June 1st, 2018), and was therefore a candidate for classification through an automated scoring system. Utilizing variant allele frequency, disease prevalence and penetrance estimates, and inheritance mode, an automated score was calculated to assess if this variant is too frequent to cause the disease. Based on the score and internal cut-off values, a variant classified as benign is not then subjected to further curation. The score for this variant resulted in a classification of benign for this disease.

Breakthrough Genomics
Classification: Benign. Review status: criteria provided, single submitter. Criteria: ACMG Guidelines, 2015. Collection method: not provided. Allele origin: germline. Inheritance: Autosomal recessive inheritance. Affected: yes.